The following is an entry in ClinVar:

NM_015346.4(ZFYVE26):c.5715del (p.Asp1906fs)

Gene: ZFYVE26 (zinc finger FYVE-type containing 26; minus strand). Cytogenetic location: 14q24.1.
Variant type: Deletion.
Coding change: c.5715del on transcript NM_015346.4 (MANE Select); coding-DNA position 5715, one base deleted (A; older notation c.5715delA).
Protein change: p.Asp1906fs; shifts the reading frame from aspartic acid 1906.
Molecular consequence: frameshift variant.
Genome position (GRCh38, 1-based): chr14:67,767,779, T deleted on the plus strand (A on the coding strand, the reverse complement: ZFYVE26 is on the minus strand). VCF-style (leftmost placement, unchanged base first): chr14-67767778-CT-C. GRCh37 (hg19) VCF-style: chr14-68234495-CT-C.
Other names: short protein forms D1906fs.
Identifiers: ClinVar variation 555194 (VCV000555194.6), dbSNP rs868672014, ClinGen allele CA262828973.
Genomic context (GRCh38, chr14:67,767,778, plus strand): 5'-ATTCACTCCGCACCAGCTCATTTTCCTCCTCTTTGAGATCCAAAATCCATTCCACCTCAT[CT>C]GCTTTGGGGACTCTCACCACAAACGAGTATGGAGGGCTTTCATTCTTGGAGCTGTCTAGA-3'

ClinVar aggregate classification (germline): Pathogenic. Review status: criteria provided, single submitter (1 of 4 stars). 2 submissions from 2 submitters: Pathogenic (1). 1 of the submissions does not count toward it. Last evaluated 2022-02-05.

Conditions:
Hereditary spastic paraplegia 15 (SPG15). Also called: SPASTIC PARAPLEGIA 15, AUTOSOMAL RECESSIVE; KJELLIN SYNDROME; SPASTIC PARAPLEGIA AND RETINAL DEGENERATION. Identifiers: Orphanet 100996, MedGen C1849128, MONDO:0010044, OMIM 270700.
Spastic paraplegia. Identifiers: MedGen C0037772, HP:0001258.

Allele frequency attached by ClinVar (database versions not stated): gnomAD exomes below 0.00001; gnomAD 0.00001; TOPMed 0.00001; ESP Exome Variant Server 0.00008.

Submissions (2):

Labcorp Genetics (formerly Invitae), Labcorp
Classification: Pathogenic for Spastic paraplegia. Last evaluated: 2022-02-05. Review status: criteria provided, single submitter. Criteria: Invitae Variant Classification Sherloc (09022015). Collection method: clinical testing. Allele origin: germline.
Comment: For these reasons, this variant has been classified as Pathogenic. ClinVar contains an entry for this variant (Variation ID: 555194). This variant has not been reported in the literature in individuals affected with ZFYVE26-related conditions. This variant is present in population databases (no rsID available, gnomAD 0.01%). This sequence change creates a premature translational stop signal (p.Asp1906Metfs*36) in the ZFYVE26 gene. It is expected to result in an absent or disrupted protein product. Loss-of-function variants in ZFYVE26 are known to be pathogenic (PMID: 18394578, 19805727).

Counsyl
Classification: Likely pathogenic for Hereditary spastic paraplegia 15. Last evaluated: 2017-11-29. Review status: no assertion criteria provided. Collection method: clinical testing. Allele origin: unknown. Not counted in ClinVar's aggregate classification.

Literature cited by the submitters: PubMed 18394578 (cited by Labcorp Genetics (formerly Invitae), Labcorp); PubMed 19805727 (cited by Labcorp Genetics (formerly Invitae), Labcorp).